The following is an entry in ClinVar:

NM_000448.3(RAG1):c.2979C>A (p.His993Gln)

Gene: RAG1 (recombination activating 1; plus strand). Cytogenetic location: 11p12.
Variant type: single nucleotide variant.
Coding change: c.2979C>A on transcript NM_000448.3 (MANE Select); coding-DNA position 2979, C replaced by A.
Protein change: p.His993Gln; replaces histidine 993 with glutamine.
Molecular consequence: missense variant.
Genome position (GRCh38, 1-based): chr11:36,576,283, C>A. VCF-style: chr11-36576283-C-A. GRCh37 (hg19) VCF-style: chr11-36597833-C-A.
Other names: c.2979C>A, p.His993Gln (NM_001377277.1, NM_001377278.1, NM_001377279.1 and 1 more transcripts); short protein forms H993Q.
Identifiers: ClinVar variation 1462494 (VCV001462494.5), dbSNP rs1424729647, ClinGen allele CA380136386.

ClinVar aggregate classification (germline): Uncertain significance (1 of 4 stars; one submission).

Conditions:
Severe combined immunodeficiency, autosomal recessive, T cell-negative, B cell-negative, NK cell-positive. Also called: Severe combined immunodeficiency due to complete RAG1/2 deficiency; SCID, T CELL-NEGATIVE, B CELL-NEGATIVE, NK CELL-POSITIVE; SCID, AR, T-cell negative, B-cell negative, NK cell-positive. Identifiers: Orphanet 331206, MedGen C1832322, MONDO:0011086, OMIM 601457.
Combined immunodeficiency with skin granulomas. Identifiers: Orphanet 157949, MedGen C2673536, MONDO:0009306, OMIM 233650.

Allele frequency attached by ClinVar (database versions not stated): gnomAD exomes below 0.00001 and 0.00002; gnomAD 0.00001; TOPMed 0.00001.
gnomAD v4.1: 24 of 1,613,922 alleles (0.0015%); highest among the groups gnomAD compares: Non-Finnish European, 0.0019%; no homozygotes.

Submission:

Labcorp Genetics (formerly Invitae), Labcorp
Classification: Uncertain significance for Combined immunodeficiency with skin granulomas; Severe combined immunodeficiency, autosomal recessive, T cell-negative, B cell-negative, NK cell-positive. Last evaluated: 2022-04-20. Review status: criteria provided, single submitter. Criteria: Invitae Variant Classification Sherloc (09022015). Collection method: clinical testing. Allele origin: germline.
Comment: This sequence change replaces histidine, which is basic and polar, with glutamine, which is neutral and polar, at codon 993 of the RAG1 protein (p.His993Gln). This variant is present in population databases (no rsID available, gnomAD 0.0009%). This variant has not been reported in the literature in individuals affected with RAG1-related conditions. Algorithms developed to predict the effect of missense changes on protein structure and function are either unavailable or do not agree on the potential impact of this missense change (SIFT: "Deleterious"; PolyPhen-2: "Probably Damaging"; Align-GVGD: "Class C0"). In summary, the available evidence is currently insufficient to determine the role of this variant in disease. Therefore, it has been classified as a Variant of Uncertain Significance.